The following is an entry in ClinVar:

NM_003482.4(KMT2D):c.4175G>T (p.Gly1392Val)

Gene: KMT2D (lysine methyltransferase 2D; minus strand). Cytogenetic location: 12q13.12.
Variant type: single nucleotide variant.
Coding change: c.4175G>T on transcript NM_003482.4 (MANE Select); coding-DNA position 4175, G replaced by T.
Protein change: p.Gly1392Val; replaces glycine 1392 with valine.
Molecular consequence: missense variant.
Genome position (GRCh38, 1-based): chr12:49,048,026, C>A on the plus strand (G>T on the coding strand, the complement: KMT2D is on the minus strand). VCF-style: chr12-49048026-C-A. GRCh37 (hg19) VCF-style: chr12-49441809-C-A.
Other names: short protein forms G1392V.
Identifiers: ClinVar variation 3635158 (VCV003635158.2).

ClinVar aggregate classification (germline): Uncertain significance (1 of 4 stars; one submission).

Conditions:
Kabuki syndrome. Also called: NIIKAWA-KUROKI SYNDROME; Kabuki make-up syndrome. Identifiers: Orphanet 2322, MedGen C0796004, MONDO:0016512.

Submission:

Labcorp Genetics (formerly Invitae), Labcorp
Classification: Uncertain significance for Kabuki syndrome. Last evaluated: 2024-08-11. Review status: criteria provided, single submitter. Criteria: Invitae Variant Classification Sherloc (09022015). Collection method: clinical testing. Allele origin: germline.
Comment: This sequence change replaces glycine, which is neutral and non-polar, with valine, which is neutral and non-polar, at codon 1392 of the KMT2D protein (p.Gly1392Val). This variant is not present in population databases (gnomAD no frequency). This variant has not been reported in the literature in individuals affected with KMT2D-related conditions. Advanced modeling of protein sequence and biophysical properties (such as structural, functional, and spatial information, amino acid conservation, physicochemical variation, residue mobility, and thermodynamic stability) performed at Invitae indicates that this missense variant is not expected to disrupt KMT2D protein function with a negative predictive value of 95%. In summary, the available evidence is currently insufficient to determine the role of this variant in disease. Therefore, it has been classified as a Variant of Uncertain Significance.